The following is an entry in ClinVar:

NC_000023.11:g.(?_70035338)_(70035629_?)del

Gene: EDA (ectodysplasin A; plus strand). Cytogenetic location: Xq13.1.
Variant type: Deletion.
Identifiers: ClinVar variation 644841 (VCV000644841.1).

ClinVar aggregate classification (germline): Pathogenic (1 of 4 stars; one submission).

Conditions:
Hypohidrotic X-linked ectodermal dysplasia (XHED). Also called: Ectodermal Dysplasia 1, Anhidrotic; ECTODERMAL DYSPLASIA 1, HYPOHIDROTIC, X-LINKED; ECTODERMAL DYSPLASIA 1, HYPOHIDROTIC/HAIR/TOOTH TYPE, X-LINKED; ECTODERMAL DYSPLASIA, HYPOHIDROTIC, 1; CST SYNDROME; ECTODERMAL DYSPLASIA 1. Identifiers: Orphanet 181, Orphanet 238468, MedGen C0162359, MONDO:0010585, OMIM 305100.

Submission:

Labcorp Genetics (formerly Invitae), Labcorp
Classification: Pathogenic for Hypohidrotic X-linked ectodermal dysplasia. Last evaluated: 2018-10-22. Review status: criteria provided, single submitter. Criteria: Invitae Variant Classification Sherloc (09022015). Collection method: clinical testing. Allele origin: germline.
Comment: This variant is a gross deletion of the genomic region encompassing exon 8 of the EDA gene. The 5' boundary is likely confined to intron 7. The 3' end of this event is unknown as it extends through the termination codon beyond the assayed region for this gene and may encompass additional genes. While this deletion is not anticipated to result in nonsense mediated decay, it is expected to create a truncated protein product or disrupt mRNA translation. This variant has been observed to be hemizygous in multiple individual with clinical features of ectodermal dysplasia (Invitae). This variant disrupts the p.Thr378 amino acid residue in EDA. Other variant(s) that disrupt this residue have been observed in affected individuals (PMID: 11378824, 18384562, 18666859, 21457804, 24648697, 26273176), suggesting that it is a clinically significant residue. As a result, variants that disrupt this residue are likely to be causative of disease. For these reasons, this variant has been classified as Pathogenic.

Literature cited by the submitters: PubMed 26273176; PubMed 24648697; PubMed 18384562; PubMed 18666859; PubMed 11378824; PubMed 21457804.